The following is an entry in ClinVar:

NM_004168.4(SDHA):c.1710C>A (p.Asn570Lys)

Gene: SDHA (succinate dehydrogenase complex flavoprotein subunit A; plus strand). Cytogenetic location: 5p15.33.
Variant type: single nucleotide variant.
Coding change: c.1710C>A on transcript NM_004168.4 (MANE Select); coding-DNA position 1710, C replaced by A.
Protein change: p.Asn570Lys; replaces asparagine 570 with lysine.
Molecular consequence: missense variant. On other transcripts: intron variant (1).
Genome position (GRCh38, 1-based): chr5:251,384, C>A. VCF-style: chr5-251384-C-A. GRCh37 (hg19) VCF-style: chr5-251499-C-A.
Other names: c.1566C>A, p.Asn522Lys (NM_001294332.2); c.1552-3009C>A (NM_001330758.2); c.1710C>A (NM_004168.2); short protein forms N522K, N570K.
Identifiers: ClinVar variation 1928566 (VCV001928566.6), dbSNP rs1404993199, ClinGen allele CA359000055.

ClinVar aggregate classification (germline): Uncertain significance. Review status: criteria provided, multiple submitters, no conflicts (2 of 4 stars). 2 submissions from 2 submitters: Uncertain significance (2). Last evaluated 2025-09-25.

Conditions:
Mitochondrial complex II deficiency, nuclear type 1. Also called: SUCCINATE CoQ REDUCTASE DEFICIENCY. Identifiers: Orphanet 3208, MedGen C5700310, MONDO:0100294, OMIM 252011.
Pheochromocytoma/paraganglioma syndrome 5. Also called: Paragangliomas 5; SDHA-Related Hereditary Paraganglioma-Pheochromocytoma Syndrome. Identifiers: Orphanet 29072, MedGen C3279992, MONDO:0013602, OMIM 614165.
Hereditary cancer-predisposing syndrome. Also called: Tumor predisposition; Hereditary Cancer Syndrome; Hereditary neoplastic syndrome; Neoplastic Syndromes, Hereditary. Identifiers: Orphanet 140162, MedGen C0027672, MeSH D009386, MONDO:0015356.

gnomAD v4.1: 1 of 1,613,842 alleles (0.000062%); highest among the groups gnomAD compares: Non-Finnish European, 0.000085%; no homozygotes.

Submissions (2):

Ambry Genetics
Classification: Uncertain significance for Hereditary cancer-predisposing syndrome. Last evaluated: 2025-09-25. Review status: criteria provided, single submitter. Criteria: Ambry Variant Classification Scheme 2023. Collection method: clinical testing. Allele origin: germline.
Comment: The p.N570K variant (also known as c.1710C>A), located in coding exon 13 of the SDHA gene, results from a C to A substitution at nucleotide position 1710. The asparagine at codon 570 is replaced by lysine, an amino acid with similar properties. This amino acid position is conserved. In addition, the in silico prediction for this alteration is inconclusive. Based on the available evidence, the clinical significance of this variant remains unclear.

Labcorp Genetics (formerly Invitae), Labcorp
Classification: Uncertain significance for Pheochromocytoma/paraganglioma syndrome 5; Mitochondrial complex II deficiency, nuclear type 1. Last evaluated: 2023-11-10. Review status: criteria provided, single submitter. Criteria: Invitae Variant Classification Sherloc (09022015). Collection method: clinical testing. Allele origin: germline.
Comment: This sequence change replaces asparagine, which is neutral and polar, with lysine, which is basic and polar, at codon 570 of the SDHA protein (p.Asn570Lys). This variant is not present in population databases (gnomAD no frequency). This variant has not been reported in the literature in individuals affected with SDHA-related conditions. ClinVar contains an entry for this variant (Variation ID: 1928566). Advanced modeling of protein sequence and biophysical properties (such as structural, functional, and spatial information, amino acid conservation, physicochemical variation, residue mobility, and thermodynamic stability) has been performed at Invitae for this missense variant, however the output from this modeling did not meet the statistical confidence thresholds required to predict the impact of this variant on SDHA protein function. In summary, the available evidence is currently insufficient to determine the role of this variant in disease. Therefore, it has been classified as a Variant of Uncertain Significance.